The following is an entry in ClinVar:

ClinVar aggregate classification (germline): Likely benign (1 of 4 stars; one submission).

gnomAD v4.1: 55 of 1,613,012 alleles (0.0034%); highest among the groups gnomAD compares: East Asian, 0.065%; no homozygotes.

Submission:

CeGaT Center for Human Genetics Tuebingen
Classification: Likely benign. Last evaluated: 2026-05-01. Review status: criteria provided, single submitter. Criteria: CeGaT Center For Human Genetics Tuebingen Variant Classification Criteria Version 2. Collection method: clinical testing. Allele origin: germline. Affected: yes. Observed: 1 variant allele.
Comment: LAMA1: BP4, BP7

NM_005559.4(LAMA1):c.2676C>T (p.Asp892=)

Gene: LAMA1 (laminin subunit alpha 1; minus strand). Cytogenetic location: 18p11.31.
Variant type: single nucleotide variant.
Coding change: c.2676C>T on transcript NM_005559.4 (MANE Select); coding-DNA position 2676, C replaced by T.
Protein change: p.Asp892=; no amino-acid change (aspartic acid 892 retained).
Molecular consequence: synonymous variant.
Genome position (GRCh38, 1-based): chr18:7,023,189, G>A on the plus strand (C>T on the coding strand, the complement: LAMA1 is on the minus strand). VCF-style: chr18-7023189-G-A. GRCh37 (hg19) VCF-style: chr18-7023188-G-A.
Identifiers: ClinVar variation 4872563 (VCV004872563.2).